The following is an entry in ClinVar:

ClinVar aggregate classification (germline): Pathogenic. Review status: reviewed by expert panel (3 of 4 stars). 2 submissions from 2 submitters: Pathogenic (1). 1 of the submissions does not count toward it. Last evaluated 2017-12-15.

Conditions:
Familial cancer of breast. Also called: hereditary breast carcinoma; BREAST CANCER, FAMILIAL; Hereditary breast cancer. Identifiers: Orphanet 227535, MedGen C0346153, MONDO:0016419, OMIM 114480. Disease mechanism: loss of function.
Breast-ovarian cancer, familial, susceptibility to, 1 (BROVCA1). Also called: BRCA1 Hereditary Breast and Ovarian Cancer; OVARIAN CANCER, SUSCEPTIBILITY TO. Identifiers: Orphanet 145, MedGen C2676676, MONDO:0011450, OMIM 604370. Disease mechanism: loss of function.

Submissions (2):

Evidence-based Network for the Interpretation of Germline Mutant Alleles (ENIGMA)
Classification: Pathogenic for Breast-ovarian cancer, familial, susceptibility to, 1. Last evaluated: 2017-12-15. Review status: reviewed by expert panel. Criteria: ENIGMA BRCA1/2 Classification Criteria (2017-06-29). Collection method: curation. Allele origin: germline. Study: ENIGMA.
Comment: Variant allele predicted to encode a truncated non-functional protein.

ClinVar Staff, National Center for Biotechnology Information (NCBI)
No classification provided. Condition: Familial cancer of breast. Review status: no classification provided. Collection method: literature only. Allele origin: germline. Affected: yes. Not counted in ClinVar's aggregate classification.

Literature cited by the submitters: PubMed 18528753 (cited by ClinVar Staff, National Center for Biotechnology Information (NCBI)).

NM_007294.4(BRCA1):c.4307_4308del (p.Ser1436fs)

Gene: BRCA1 (BRCA1 DNA repair associated; minus strand). Cytogenetic location: 17q21.31.
Variant type: Microsatellite.
Coding change: c.4307_4308del on transcript NM_007294.4 (MANE Select); coding-DNA positions 4307 to 4308, 2 bases deleted (CT; older notation c.4307_4308delCT).
Protein change: p.Ser1436fs; shifts the reading frame from serine 1436.
Molecular consequence: frameshift variant. On other transcripts: non-coding transcript variant (1).
Genome position (GRCh38, 1-based): chr17:43,082,453-43,082,454, AG deleted on the plus strand (CT on the coding strand, the reverse complement: BRCA1 is on the minus strand); deleting any 2 consecutive bases within chr17:43,082,453-43,082,456 gives the same sequence; the c. name uses the placement nearest the transcript's 3' end. VCF-style (leftmost placement, unchanged base first): chr17-43082452-AAG-A. GRCh37 (hg19) VCF-style: chr17-41234469-AAG-A.
Other names: c.4307_4308delCT (NM_007294.3); c.4095_4096CT[1], p.Ser1366Phefs (NM_001407881.1, NM_001407882.1, NM_001407884.1 and 9 more transcripts); c.4092_4093CT[1], p.Ser1365Phefs (NM_001407894.1, NM_001407895.1, NM_001407896.1 and 12 more transcripts); c.4089_4090CT[1], p.Ser1364Phefs (NM_001407915.1); c.4182_4183CT[1], p.Ser1395Phefs (NM_001407919.1, NM_001407937.1, NM_001407938.1 and 13 more transcripts); c.4041_4042CT[1], p.Ser1348Phefs (NM_001407920.1, NM_001407921.1, NM_001407922.1 and 7 more transcripts); c.4038_4039CT[1], p.Ser1347Phefs (NM_001407930.1, NM_001407931.1, NM_001407932.1 and 3 more transcripts); c.4035_4036CT[1], p.Ser1346Phefs (NM_001407934.1); and 55 more; short protein forms S1389fs, S1436fs, S333fs.
Identifiers: ClinVar variation 55165 (VCV000055165.3), dbSNP rs397509161, ClinGen allele CA002762.
Genomic context (GRCh38, chr17:43,082,452, plus strand): 5'-AACAATACACACCTTTTTCTGATGTGCTTTGTTCTGGATTTCGCAGGTCCTCAAGGGCAG[AAG>A]AGTCACTTATGATGGAAGGGTAGCTGTTAGAAGGCTGGCTCCCATGCTGTTCTAACACAG-3'